The following is an entry in ClinVar:

NM_007294.4(BRCA1):c.154C>A (p.Leu52Ile)

Gene: BRCA1 (BRCA1 DNA repair associated; minus strand). Cytogenetic location: 17q21.31.
Variant type: single nucleotide variant.
Coding change: c.154C>A on transcript NM_007294.4 (MANE Select); coding-DNA position 154, C replaced by A.
Protein change: p.Leu52Ile; replaces leucine 52 with isoleucine.
Molecular consequence: missense variant. On other transcripts: non-coding transcript variant (1).
Genome position (GRCh38, 1-based): chr17:43,106,514, G>T on the plus strand (C>A on the coding strand, the complement: BRCA1 is on the minus strand). VCF-style: chr17-43106514-G-T. GRCh37 (hg19) VCF-style: chr17-41258531-G-T.
Other names: 273C>A; c.-35C>A (NM_001407571.1, NM_001407915.1, NM_001407916.1 and 58 more transcripts); c.154C>A, p.Leu52Ile (NM_001407581.1, NM_001407582.1, NM_001407583.1 and 168 more transcripts); c.13C>A, p.Leu5Ile (NM_001407920.1, NM_001407921.1, NM_001407922.1 and 99 more transcripts); short protein forms L52I, L5I.
Identifiers: ClinVar variation 91556 (VCV000091556.63), dbSNP rs80357084, ClinGen allele CA001037.

ClinVar aggregate classification (germline): Conflicting classifications of pathogenicity. Review status: criteria provided, conflicting classifications (1 of 4 stars). 7 submissions from 7 submitters: Uncertain significance (4); Likely benign (2). 1 of the submissions does not count toward it. Last evaluated 2025-07-25.

Conditions:
Hereditary cancer-predisposing syndrome. Also called: Hereditary Cancer Syndrome; Hereditary neoplastic syndrome; Neoplastic Syndromes, Hereditary; Tumor predisposition. Identifiers: Orphanet 140162, MedGen C0027672, MeSH D009386, MONDO:0015356.
BRCA1-related cancer predisposition. Identifiers: MedGen CN377757, MONDO:0700268.
Hereditary breast ovarian cancer syndrome. Also called: BRCA1- and BRCA2-Associated Hereditary Breast and Ovarian Cancer; Hereditary breast and ovarian cancer syndrome; Hereditary breast and ovarian cancer syndrome (HBOC); Breast and ovarian cancer; Hereditary breast and/or ovarian cancer syndrome; Hereditary breast and ovarian cancer. Identifiers: Orphanet 145, MedGen C0677776, MeSH D061325, MONDO:0003582. Disease mechanism: loss of function.
Breast-ovarian cancer, familial, susceptibility to, 1 (BROVCA1). Also called: BRCA1 Hereditary Breast and Ovarian Cancer; OVARIAN CANCER, SUSCEPTIBILITY TO. Identifiers: Orphanet 145, MedGen C2676676, MONDO:0011450, OMIM 604370. Disease mechanism: loss of function.

Submissions (8):

Labcorp Genetics (formerly Invitae), Labcorp
Classification: Likely benign for Hereditary breast ovarian cancer syndrome. Last evaluated: 2025-07-25. Review status: criteria provided, single submitter. Criteria: Invitae Variant Classification Sherloc (09022015). Collection method: clinical testing. Allele origin: germline.

Women's Health and Genetics/Laboratory Corporation of America, LabCorp
Classification: Uncertain significance. Last evaluated: 2025-03-19. Review status: criteria provided, single submitter. Criteria: LabCorp Variant Classification Summary - May 2015. Collection method: clinical testing. Allele origin: germline.
Comment: Variant summary: BRCA1 c.154C>A (p.Leu52Ile) results in a conservative amino acid change located in the Zinc finger, RING-type domain (IPR001841) of the encoded protein sequence. Three of five in-silico tools predict a damaging effect of the variant on protein function. The variant was absent in 250602 control chromosomes. The available data on variant occurrences in the general population are insufficient to allow any conclusion about variant significance. To our knowledge, no occurrence of c.154C>A in individuals affected with Hereditary Breast And Ovarian Cancer Syndrome and no experimental evidence demonstrating its impact on protein function have been reported. ClinVar contains an entry for this variant (Variation ID: 91556). Based on the evidence outlined above, the variant was classified as uncertain significance.

All of Us Research Program, National Institutes of Health
Classification: Uncertain significance for BRCA1-related cancer predisposition. Last evaluated: 2024-03-05. Review status: criteria provided, single submitter. Criteria: ACMG Guidelines, 2015. Collection method: clinical testing. Allele origin: germline. Inheritance: Autosomal dominant inheritance. Observed: 2 variant alleles, 2 heterozygotes.
Comment: This missense variant replaces leucine with isoleucine at codon 52 of the BRCA1 protein. Computational prediction is inconclusive regarding the impact of this variant on protein structure and function (internally defined REVEL score threshold 0.5 < inconclusive < 0.7, PMID: 27666373). To our knowledge, functional studies have not been reported for this variant. This variant has not been reported in individuals affected with hereditary cancer in the literature. This variant has not been identified in the general population by the Genome Aggregation Database (gnomAD). The available evidence is insufficient to determine the role of this variant in disease conclusively. Therefore, this variant is classified as a Variant of Uncertain Significance.

This study involves interpretation of variants in research participants for the purpose of population health screening. Participant phenotype was not available at the time of variant classification. Additional details can be found in publication PMID: 35346344, PMCID: PMC8962531

Baylor Genetics
Classification: Uncertain significance for Breast-ovarian cancer, familial, susceptibility to, 1. Last evaluated: 2021-09-26. Review status: criteria provided, single submitter. Criteria: ACMG Guidelines, 2015. Collection method: clinical testing. Allele origin: unknown.

Sema4
Classification: Uncertain significance for Hereditary cancer-predisposing syndrome. Last evaluated: 2021-04-26. Review status: criteria provided, single submitter. Criteria: Sema4 Curation Guidelines. Collection method: curation. Allele origin: germline.
Comment: The BRCA1 c.154C>A (p.L52I) variant has not been reported in individuals with BRCA1-related disease to our knowledge. It was not observed in the large and broad cohorts of the Genome Aggregation Database (PMID: 32461654). The variant has been reported in ClinVar (Variation ID 91556). In silico tools suggest the impact of the variant on protein function is inconclusive though these predictions have not been confirmed by functional studies. The evidence is insufficient to meet ACMG/AMP criteria for classifying the variant as benign or pathogenic. Thus, the clinical significance of this variant is currently uncertain.

Ambry Genetics
Classification: Likely benign for Hereditary cancer-predisposing syndrome. Last evaluated: 2020-10-28. Review status: criteria provided, single submitter. Criteria: Ambry Variant Classification Scheme 2023. Collection method: clinical testing. Allele origin: germline.

Sharing Clinical Reports Project (SCRP)
Classification: Likely benign for Breast-ovarian cancer, familial 1. Last evaluated: 2013-01-28. Review status: no assertion criteria provided. Collection method: clinical testing. Allele origin: germline. Not counted in ClinVar's aggregate classification.

Brotman Baty Institute, University of Washington
No classification provided (evidence only). Condition: Breast-ovarian cancer, familial 1. Review status: no classification provided. Collection method: in vitro. Allele origin: not applicable. Functional consequence: functionally_normal. Not counted in ClinVar's aggregate classification.
ClinVar note: "not provided" was previously submitted as the classification for the variant. However, the classification appeared to be based only on an observation of functional data so it was converted to no classification on 2025-07-30.

Literature cited by the submitters: PubMed 31112341 (cited by Women's Health and Genetics/Laboratory Corporation of America, LabCorp); PubMed 31294896 (cited by Women's Health and Genetics/Laboratory Corporation of America, LabCorp); PubMed 30209399 (cited by Ambry Genetics).